The following is an entry in ClinVar:

ClinVar aggregate classification (germline): Uncertain significance (1 of 4 stars; one submission).

Conditions:
Carnitine palmitoyltransferase II deficiency. Also called: Carnitine Palmitoyltransferase 2 Deficiency. Identifiers: Orphanet 157, MedGen C0342790, MONDO:0015515.

gnomAD v4.1: 1 of 1,527,510 alleles (0.000065%); highest among the groups gnomAD compares: Non-Finnish European, 0.000087%; no homozygotes.

Submission:

Labcorp Genetics (formerly Invitae), Labcorp
Classification: Uncertain significance for Carnitine palmitoyltransferase II deficiency. Last evaluated: 2021-09-05. Review status: criteria provided, single submitter. Criteria: Invitae Variant Classification Sherloc (09022015). Collection method: clinical testing. Allele origin: germline.
Comment: This sequence change replaces arginine with tryptophan at codon 12 of the CPT2 protein (p.Arg12Trp). The arginine residue is moderately conserved and there is a moderate physicochemical difference between arginine and tryptophan. The frequency data for this variant in the population databases is considered unreliable, as metrics indicate insufficient coverage at this position in the ExAC database. This variant has not been reported in the literature in individuals affected with CPT2-related conditions. Advanced modeling of protein sequence and biophysical properties (such as structural, functional, and spatial information, amino acid conservation, physicochemical variation, residue mobility, and thermodynamic stability) performed at Invitae indicates that this missense variant is not expected to disrupt CPT2 protein function. In summary, the available evidence is currently insufficient to determine the role of this variant in disease. Therefore, it has been classified as a Variant of Uncertain Significance.

NM_000098.3(CPT2):c.34C>T (p.Arg12Trp)

Genes: CPT2 (carnitine palmitoyltransferase 2; plus strand), LOC129930561 (ATAC-STARR-seq lymphoblastoid silent region 902; plus strand). Cytogenetic location: 1p32.3.
Variant type: single nucleotide variant.
Coding change: c.34C>T on transcript NM_000098.3 (MANE Select); coding-DNA position 34, C replaced by T.
Protein change: p.Arg12Trp; replaces arginine 12 with tryptophan.
Molecular consequence: missense variant.
Genome position (GRCh38, 1-based): chr1:53,196,977, C>T. VCF-style: chr1-53196977-C-T. GRCh37 (hg19) VCF-style: chr1-53662649-C-T.
Other names: c.34C>T, p.Arg12Trp (NM_001330589.2); short protein forms R12W.
Identifiers: ClinVar variation 1345225 (VCV001345225.3), dbSNP rs1270720547, ClinGen allele CA340388611.